The following is an entry in ClinVar:

ClinVar aggregate classification (germline): Uncertain significance (1 of 4 stars; one submission).

Allele frequency attached by ClinVar (database versions not stated): gnomAD exomes below 0.00001.
gnomAD v4.1: 3 of 1,613,910 alleles (0.00019%); highest among the groups gnomAD compares: South Asian, 0.0011%; no homozygotes.

Submission:

Labcorp Genetics (formerly Invitae), Labcorp
Classification: Uncertain significance. Last evaluated: 2022-06-04. Review status: criteria provided, single submitter. Criteria: Invitae Variant Classification Sherloc (09022015). Collection method: clinical testing. Allele origin: germline.
Comment: This sequence change replaces alanine, which is neutral and non-polar, with serine, which is neutral and polar, at codon 2271 of the NBAS protein (p.Ala2271Ser). This variant is not present in population databases (gnomAD no frequency). This variant has not been reported in the literature in individuals affected with NBAS-related conditions. ClinVar contains an entry for this variant (Variation ID: 1426254). Algorithms developed to predict the effect of missense changes on protein structure and function (SIFT, PolyPhen-2, Align-GVGD) all suggest that this variant is likely to be disruptive. In summary, the available evidence is currently insufficient to determine the role of this variant in disease. Therefore, it has been classified as a Variant of Uncertain Significance.

NM_015909.4(NBAS):c.6811G>T (p.Ala2271Ser)

Gene: NBAS (NBAS subunit of NRZ tethering complex; minus strand). Cytogenetic location: 2p24.3.
Variant type: single nucleotide variant.
Coding change: c.6811G>T on transcript NM_015909.4 (MANE Select); coding-DNA position 6811, G replaced by T.
Protein change: p.Ala2271Ser; replaces alanine 2271 with serine.
Molecular consequence: missense variant. On other transcripts: non-coding transcript variant (1).
Genome position (GRCh38, 1-based): chr2:15,179,017, C>A on the plus strand (G>T on the coding strand, the complement: NBAS is on the minus strand). VCF-style: chr2-15179017-C-A. GRCh37 (hg19) VCF-style: chr2-15319141-C-A.
Other names: short protein forms A2271S.
Identifiers: ClinVar variation 1426254 (VCV001426254.3), dbSNP rs2125117285, ClinGen allele CA345915297.
Genomic context (GRCh38, chr2:15,179,017, plus strand): 5'-AAAGAAAGAAAGTAAATTCAACTGGGCATACCGTAGTGACTGCCGTGATTTGCTCCAGTG[C>A]CATCTCGTGCAGATGCTCATCTCGGCTCTCGAGGAGAAGTTTCAGAGATGGAAGCAGGAG-3'
Protein context (NP_056993.2, residues 2261-2281): ESRDEHLHEM[Ala2271Ser]LEQITAVTTV